The following is an entry in ClinVar:

NM_139076.3(ABRAXAS1):c.1106dup (p.Ser370fs)

Gene: ABRAXAS1 (abraxas 1, BRCA1 A complex subunit; minus strand). Cytogenetic location: 4q21.23.
Variant type: Duplication.
Coding change: c.1106dup on transcript NM_139076.3 (MANE Select); coding-DNA position 1106, one base duplicated (G; older notation c.1106dupG).
Protein change: p.Ser370fs; shifts the reading frame from serine 370.
Molecular consequence: frameshift variant.
Genome position (GRCh38, 1-based): chr4:83,462,593, C duplicated on the plus strand (G on the coding strand, the reverse complement: ABRAXAS1 is on the minus strand). VCF-style (leftmost placement, unchanged base first): chr4-83462592-T-TC. GRCh37 (hg19) VCF-style: chr4-84383745-T-TC.
Other names: c.779dup, p.Ser261fs (NM_001345962.2); c.1106dup (NM_139076.2); short protein forms S261fs, S370fs.
Identifiers: ClinVar variation 128215 (VCV000128215.14), dbSNP rs587780262, ClinGen allele CA288634.

ClinVar aggregate classification (germline): Conflicting classifications of pathogenicity. Review status: criteria provided, conflicting classifications (1 of 4 stars). 3 submissions from 3 submitters: Pathogenic (1); Uncertain significance (2). Last evaluated 2026-07-31.

Conditions:
Hereditary cancer-predisposing syndrome. Also called: Tumor predisposition; Hereditary neoplastic syndrome; Hereditary Cancer Syndrome; Neoplastic Syndromes, Hereditary. Identifiers: Orphanet 140162, MedGen C0027672, MeSH D009386, MONDO:0015356.

Allele frequency attached by ClinVar (database versions not stated): gnomAD 0.00005 and 0.00006; ExAC 0.00009; TOPMed 0.00004; gnomAD exomes 0.00005 and 0.00009.

Submissions (3):

Ambry Genetics
Classification: Uncertain significance. Last evaluated: 2026-07-31. Review status: criteria provided, single submitter. Criteria: Ambry Variant Classification Scheme 2023. Collection method: clinical testing. Allele origin: germline.
Comment: The c.1106dupG variant, located in coding exon 9 of the FAM175A gene, results from a duplication of G at nucleotide position 1106, causing a translational frameshift with a predicted alternate stop codon (p.R369Rfs*3). This variant occurs at the 3' terminus of the gene and is not expected to trigger nonsense-mediated mRNA decay. The evidence for this gene-disease relationship is limited; therefore, the clinical significance of this variant is unclear.

Labcorp Genetics (formerly Invitae), Labcorp
Classification: Uncertain significance. Last evaluated: 2025-06-03. Review status: criteria provided, single submitter. Criteria: Invitae Variant Classification Sherloc (09022015). Collection method: clinical testing. Allele origin: germline.
Comment: This sequence change creates a premature translational stop signal (p.Ser370Ilefs*2) in the ABRAXAS1 gene. While this is not anticipated to result in nonsense mediated decay, it is expected to disrupt the last 40 amino acid(s) of the ABRAXAS1 protein. This variant is present in population databases (rs587780262, gnomAD 0.05%), and has an allele count higher than expected for a pathogenic variant. This premature translational stop signal has been observed in individual(s) with diffuse glioma, individuals undergoing testing for a personal or family history of breast and/or ovarian cancer, and/or Kaposi sarcoma (PMID: 24240112, 26556299, 31159747, 31361614, 31980526). This variant is also known as FAM175 c.1106dup. ClinVar contains an entry for this variant (Variation ID: 128215). Experimental studies and prediction algorithms are not available or were not evaluated, and the functional significance of this variant is currently unknown. In summary, the available evidence is currently insufficient to determine the role of this variant in disease. Therefore, it has been classified as a Variant of Uncertain Significance.

GeneKor MSA
Classification: Pathogenic for Hereditary cancer-predisposing syndrome. Last evaluated: 2020-01-01. Review status: criteria provided, single submitter. Criteria: ACMG Guidelines, 2015. Collection method: clinical testing. Allele origin: germline. Affected: yes.
Comment: This variant is a single nucleotide duplication in exon 9 of the FAM175A (ABRAXAS1) mRNA (c.1106dupG). This results in a frameshift after codon 370 and the creation of a premature translation stop signal 2 amino acid residues later. This mutation is expected to result in loss of normal protein function through protein truncation, where the phospho-SXXF motif, necessary for interaction with BRCA1 (PMID: 17525340) is lost. This mutation has been reported in 2 ovarian cancer patients (PMID: 24240112 ). The mutation database ClinVar contains entries for this variant (Variation ID: 128215).

Literature cited by the submitters: PubMed 17525340 (cited by Ambry Genetics); PubMed 17643121 (cited by Ambry Genetics); PubMed 26556299 (cited by Ambry Genetics and Labcorp Genetics (formerly Invitae), Labcorp); PubMed 31159747 (cited by Ambry Genetics and Labcorp Genetics (formerly Invitae), Labcorp); PubMed 24240112 (cited by Labcorp Genetics (formerly Invitae), Labcorp); PubMed 31361614 (cited by Labcorp Genetics (formerly Invitae), Labcorp); PubMed 31980526 (cited by Labcorp Genetics (formerly Invitae), Labcorp).